The following is an entry in ClinVar:

ClinVar aggregate classification (germline): Uncertain significance (1 of 4 stars; one submission).

Conditions:
Oligodontia-cancer predisposition syndrome. Also called: TOOTH AGENESIS-COLORECTAL CANCER SYNDROME. Identifiers: Orphanet 300576, MedGen C1837750, MONDO:0012075, OMIM 608615. Disease mechanism: loss of function.

Submission:

Labcorp Genetics (formerly Invitae), Labcorp
Classification: Uncertain significance for Oligodontia-cancer predisposition syndrome. Last evaluated: 2020-02-15. Review status: criteria provided, single submitter. Criteria: Invitae Variant Classification Sherloc (09022015). Collection method: clinical testing. Allele origin: germline.
Comment: In summary, the available evidence is currently insufficient to determine the role of this variant in disease. Therefore, it has been classified as a Variant of Uncertain Significance. Algorithms developed to predict the effect of missense changes on protein structure and function are either unavailable or do not agree on the potential impact of this missense change (SIFT: "Deleterious"; PolyPhen-2: "Probably Damaging"; Align-GVGD: "Class C15"). This variant has not been reported in the literature in individuals with AXIN2-related conditions. This variant is not present in population databases (ExAC no frequency). This sequence change replaces glycine with valine at codon 63 of the AXIN2 protein (p.Gly63Val). The glycine residue is highly conserved and there is a moderate physicochemical difference between glycine and valine.

NM_004655.4(AXIN2):c.188G>T (p.Gly63Val)

Gene: AXIN2 (axin 2; minus strand). Cytogenetic location: 17q24.1.
Variant type: single nucleotide variant.
Coding change: c.188G>T on transcript NM_004655.4 (MANE Select); coding-DNA position 188, G replaced by T.
Protein change: p.Gly63Val; replaces glycine 63 with valine.
Molecular consequence: missense variant.
Genome position (GRCh38, 1-based): chr17:65,558,433, C>A on the plus strand (G>T on the coding strand, the complement: AXIN2 is on the minus strand). VCF-style: chr17-65558433-C-A. GRCh37 (hg19) VCF-style: chr17-63554551-C-A.
Other names: c.188G>T, p.Gly63Val (NM_001363813.1); short protein forms G63V.
Identifiers: ClinVar variation 1027209 (VCV001027209.9), dbSNP rs2044307797, ClinGen allele CA400681934.